The following is an entry in ClinVar:

ClinVar aggregate classification (germline): Benign. Review status: criteria provided, multiple submitters, no conflicts (2 of 4 stars). 2 submissions from 2 submitters: Benign (2). Last evaluated 2018-01-13.

Conditions:
Weill-Marchesani 4 syndrome, recessive. Also called: Weill-Marchesani syndrome 4. Identifiers: Orphanet 363992, MedGen C2750787, MONDO:0013176, OMIM 613195.

Allele frequency attached by ClinVar (database versions not stated): 1000 Genomes Project 0.58446; 1000 Genomes Project 30x 0.59072; TOPMed 0.62083; gnomAD 0.63541 and 0.63990; gnomAD exomes 0.69643.
gnomAD v4.1: 96,336 of 151,698 alleles (64%); highest among the groups gnomAD compares: Non-Finnish European, 66%; 30,783 homozygotes.

Submissions (2):

Illumina Laboratory Services, Illumina
Classification: Benign for Weill-Marchesani 4 syndrome, recessive. Last evaluated: 2018-01-13. Review status: criteria provided, single submitter. Criteria: ICSL Variant Classification Criteria 13 December 2019. Collection method: clinical testing. Allele origin: germline.
Comment: This variant was observed in the ICSL laboratory as part of a predisposition screen in an ostensibly healthy population. It had not been previously curated by ICSL or reported in the Human Gene Mutation Database (HGMD: prior to June 1st, 2018), and was therefore a candidate for classification through an automated scoring system. Utilizing variant allele frequency, disease prevalence and penetrance estimates, and inheritance mode, an automated score was calculated to assess if this variant is too frequent to cause the disease. Based on the score and internal cut-off values, a variant classified as benign is not then subjected to further curation. The score for this variant resulted in a classification of benign for this disease.

Breakthrough Genomics
Classification: Benign. Review status: criteria provided, single submitter. Criteria: ACMG Guidelines, 2015. Collection method: not provided. Allele origin: germline. Inheritance: Autosomal recessive inheritance. Affected: yes.

NM_139057.4(ADAMTS17):c.*1289T>G

Gene: ADAMTS17 (ADAM metallopeptidase with thrombospondin type 1 motif 17; minus strand). Cytogenetic location: 15q26.3.
Variant type: single nucleotide variant.
Coding change: c.*1289T>G on transcript NM_139057.4 (MANE Select); 1289 bases downstream of the stop codon, T replaced by G.
Molecular consequence: 3 prime UTR variant.
Genome position (GRCh38, 1-based): chr15:99,973,113, A>C on the plus strand (T>G on the coding strand, the complement: ADAMTS17 is on the minus strand). VCF-style: chr15-99973113-A-C. GRCh37 (hg19) VCF-style: chr15-100513318-A-C.
Identifiers: ClinVar variation 315190 (VCV000315190.6), dbSNP rs2581365, ClinGen allele CA10642839.